The following is an entry in ClinVar:

NM_001036.6(RYR3):c.6670C>T (p.Arg2224Cys)

Gene: RYR3 (ryanodine receptor 3; plus strand). Cytogenetic location: 15q14.
Variant type: single nucleotide variant.
Coding change: c.6670C>T on transcript NM_001036.6 (MANE Select); coding-DNA position 6670, C replaced by T.
Protein change: p.Arg2224Cys; replaces arginine 2224 with cysteine.
Molecular consequence: missense variant.
Genome position (GRCh38, 1-based): chr15:33,722,765, C>T. VCF-style: chr15-33722765-C-T. GRCh37 (hg19) VCF-style: chr15-34014966-C-T.
Other names: c.6670C>T, p.Arg2224Cys (NM_001243996.4); short protein forms R2224C.
Identifiers: ClinVar variation 665156 (VCV000665156.6), dbSNP rs1188037949, ClinGen allele CA391587010.

ClinVar aggregate classification (germline): Uncertain significance (1 of 4 stars; one submission).

Conditions:
Epileptic encephalopathy. Identifiers: MedGen C0543888, HP:0200134.

Allele frequency attached by ClinVar (database versions not stated): gnomAD 0.00001 and 0.00002; gnomAD exomes 0.00001; TOPMed 0.00002.
gnomAD v4.1: 26 of 1,613,152 alleles (0.0016%); highest among the groups gnomAD compares: East Asian, 0.0022%; no homozygotes.

Submission:

Labcorp Genetics (formerly Invitae), Labcorp
Classification: Uncertain significance for Epileptic encephalopathy. Last evaluated: 2021-09-01. Review status: criteria provided, single submitter. Criteria: Invitae Variant Classification Sherloc (09022015). Collection method: clinical testing. Allele origin: germline.
Comment: This sequence change replaces arginine with cysteine at codon 2224 of the RYR3 protein (p.Arg2224Cys). The arginine residue is highly conserved and there is a large physicochemical difference between arginine and cysteine. This variant is not present in population databases (ExAC no frequency). This variant has not been reported in the literature in individuals affected with RYR3-related conditions. Algorithms developed to predict the effect of missense changes on protein structure and function (SIFT, PolyPhen-2, Align-GVGD) all suggest that this variant is likely to be disruptive. In summary, the available evidence is currently insufficient to determine the role of this variant in disease. Therefore, it has been classified as a Variant of Uncertain Significance.